The following is an entry in ClinVar:

NM_000478.6(ALPL):c.634A>T (p.Ile212Phe)

Gene: ALPL (alkaline phosphatase, biomineralization associated; plus strand). Cytogenetic location: 1p36.12.
Variant type: single nucleotide variant.
Coding change: c.634A>T on transcript NM_000478.6 (MANE Select); coding-DNA position 634, A replaced by T.
Protein change: p.Ile212Phe; replaces isoleucine 212 with phenylalanine.
Molecular consequence: missense variant.
Genome position (GRCh38, 1-based): chr1:21,564,202, A>T. VCF-style: chr1-21564202-A-T. GRCh37 (hg19) VCF-style: chr1-21890695-A-T.
Other names: c.469A>T, p.Ile157Phe (NM_001127501.4); c.403A>T, p.Ile135Phe (NM_001177520.3); c.634A>T, p.Ile212Phe (NM_001369803.2, NM_001369804.2, NM_001369805.2); short protein forms I135F, I157F, I212F.
Identifiers: ClinVar variation 4086823 (VCV004086823.1).

ClinVar aggregate classification (germline): Likely pathogenic (1 of 4 stars; one submission).

Conditions:
Hypophosphatasia. Also called: Phosphoethanol-aminuria. Identifiers: Orphanet 436, MedGen C0020630, MeSH D007014, MONDO:0018570.

Submission:

Genomenon, Inc
Classification: Likely pathogenic for Hypophosphatasia. Last evaluated: 2025-08-29. Review status: criteria provided, single submitter. Criteria: Genomenon Sequence Variant Interpretation Standards. Collection method: curation. Allele origin: germline. Affected: yes.
Comment: ALPL c.634A>T is a missense variant that changes the amino acid at residue 212 from Isoleucine to Phenylalanine. This variant has been observed in at least one proband affected with hypophosphatasia (PMID:12230456). The variant was found to segregate with disease in at least one affected family (PMID:12230456). It is absent or not present at a significant frequency in gnomAD. In silico models agree that this variant is possibly or probably damaging. In conclusion, we classify ALPL p.Ile212Phe (c.634A>T) as a likely pathogenic variant.

Literature cited by the submitters: PubMed 12230456.